The following is an entry in ClinVar:

ClinVar aggregate classification (germline): Likely benign. Review status: criteria provided, multiple submitters, no conflicts (2 of 4 stars). 8 submissions from 8 submitters: Likely benign (7). 1 of the submissions does not count toward it. Last evaluated 2025-10-27.

Conditions:
Baraitser-Winter syndrome 1 (BRWS1). Also called: BARAITSER-WINTER SYNDROME 1, ATYPICAL; Cerebrofrontofacial syndrome; PACHYGYRIA, MENTAL RETARDATION, EPILEPSY, AND CHARACTERISTIC FACIES; MENTAL RETARDATION WITH EPILEPSY AND CHARACTERISTIC FACIES. Identifiers: Orphanet 2649, Orphanet 2995, MedGen C1855722, MONDO:0009470, OMIM 243310.
ACTB-related disorder. Also called: ACTB-related condition; ACTB-related disorders.
Developmental malformations-deafness-dystonia syndrome (DDS1). Identifiers: Orphanet 79107, MedGen C5848323, MONDO:0011823, OMIM 607371.

Allele frequency attached by ClinVar (database versions not stated): gnomAD 0.00003; gnomAD exomes 0.00005 and 0.00009; TOPMed 0.00005; ESP Exome Variant Server 0.00008; ExAC 0.00012.
gnomAD v4.1: 78 of 1,614,178 alleles (0.0048%); highest among the groups gnomAD compares: South Asian, 0.0088%; no homozygotes.

Submissions (8):

Labcorp Genetics (formerly Invitae), Labcorp
Classification: Likely benign for Baraitser-Winter syndrome 1. Last evaluated: 2025-10-27. Review status: criteria provided, single submitter. Criteria: Invitae Variant Classification Sherloc (09022015). Collection method: clinical testing. Allele origin: germline.

CeGaT Center for Human Genetics Tuebingen
Classification: Likely benign. Last evaluated: 2025-05-01. Review status: criteria provided, single submitter. Criteria: CeGaT Center For Human Genetics Tuebingen Variant Classification Criteria Version 2. Collection method: clinical testing. Allele origin: germline. Affected: yes. Observed: 1 variant allele.
Comment: ACTB: BP4, BP7

Mayo Clinic Laboratories, Mayo Clinic
Classification: Likely benign. Last evaluated: 2025-04-02. Review status: criteria provided, single submitter. Criteria: ACMG Guidelines, 2015. Collection method: clinical testing. Allele origin: germline. Observed: 1 variant allele.
Comment: BP4, BP7

Blueprint Genetics
Classification: Likely benign. Last evaluated: 2024-11-01. Review status: criteria provided, single submitter. Criteria: ACMG Guidelines, 2015. Collection method: clinical testing. Allele origin: germline.

Fulgent Genetics
Classification: Likely benign for Baraitser-Winter syndrome 1; Developmental malformations-deafness-dystonia syndrome. Last evaluated: 2022-01-04. Review status: criteria provided, single submitter. Criteria: ACMG Guidelines, 2015. Collection method: clinical testing. Allele origin: unknown.

GeneDx
Classification: Likely benign. Last evaluated: 2021-01-04. Review status: criteria provided, single submitter. Criteria: GeneDx Variant Classification Process June 2021. Collection method: clinical testing. Allele origin: germline. Affected: yes.

Breakthrough Genomics
Classification: Likely benign. Review status: criteria provided, single submitter. Criteria: ACMG Guidelines, 2015. Collection method: not provided. Allele origin: germline. Inheritance: Autosomal dominant inheritance. Affected: yes.

PreventionGenetics, part of Exact Sciences
Classification: Likely benign for ACTB-related condition. Last evaluated: 2024-08-16. Review status: no assertion criteria provided. Collection method: clinical testing. Allele origin: germline. Not counted in ClinVar's aggregate classification.
Comment: This variant is classified as likely benign based on ACMG/AMP sequence variant interpretation guidelines (Richards et al. 2015 PMID: 25741868, with internal and published modifications).

NM_001101.5(ACTB):c.858C>T (p.Asp286=)

Gene: ACTB (actin beta; minus strand). Cytogenetic location: 7p22.1.
Variant type: single nucleotide variant.
Coding change: c.858C>T on transcript NM_001101.5 (MANE Select); coding-DNA position 858, C replaced by T.
Protein change: p.Asp286=; no amino-acid change (aspartic acid 286 retained).
Molecular consequence: synonymous variant.
Genome position (GRCh38, 1-based): chr7:5,528,130, G>A on the plus strand (C>T on the coding strand, the complement: ACTB is on the minus strand). VCF-style: chr7-5528130-G-A. GRCh37 (hg19) VCF-style: chr7-5567761-G-A.
Other names: p.Asp286=.
Identifiers: ClinVar variation 701157 (VCV000701157.28), dbSNP rs150105166, ClinGen allele CA4146905.